The following is an entry in ClinVar:

NM_007294.4(BRCA1):c.1960A>G (p.Lys654Glu)

Gene: BRCA1 (BRCA1 DNA repair associated; minus strand). Cytogenetic location: 17q21.31.
Variant type: single nucleotide variant.
Coding change: c.1960A>G on transcript NM_007294.4 (MANE Select); coding-DNA position 1960, A replaced by G.
Protein change: p.Lys654Glu; replaces lysine 654 with glutamic acid.
Molecular consequence: missense variant. On other transcripts: intron variant (137).
Genome position (GRCh38, 1-based): chr17:43,093,571, T>C on the plus strand (A>G on the coding strand, the complement: BRCA1 is on the minus strand). VCF-style: chr17-43093571-T-C. GRCh37 (hg19) VCF-style: chr17-41245588-T-C.
Other names: c.1882A>G, p.Lys628Glu (NM_001407657.1, NM_001407658.1, NM_001407663.1 and 4 more transcripts); c.1879A>G, p.Lys627Glu (NM_001407659.1, NM_001407660.1, NM_001407661.1 and 1 more transcripts); c.1837A>G, p.Lys613Glu (NM_001407664.1, NM_001407665.1, NM_001407666.1 and 19 more transcripts); c.1834A>G, p.Lys612Glu (NM_001407670.1, NM_001407671.1, NM_001407672.1 and 11 more transcripts); c.1960A>G, p.Lys654Glu (NM_001407684.1, NM_001407854.1, NM_001407858.1 and 30 more transcripts); c.1819A>G, p.Lys607Glu (NM_001407692.1, NM_001407694.1, NM_001407695.1 and 29 more transcripts); c.1816A>G, p.Lys606Glu (NM_001407740.1, NM_001407741.1, NM_001407742.1 and 20 more transcripts); c.1747A>G, p.Lys583Glu (NM_001407853.1, NM_001407894.1, NM_001407895.1 and 9 more transcripts); and 40 more; short protein forms K654E, K607E, K358E, K543E, K565E, K584E, K526E, K566E.
Identifiers: ClinVar variation 54415 (VCV000054415.4), dbSNP rs80357355, ClinGen allele CA001302.

ClinVar aggregate classification (germline): Likely benign. Review status: criteria provided, single submitter (1 of 4 stars). 2 submissions from 2 submitters: Likely benign (1). 1 of the submissions does not count toward it. Last evaluated 2023-03-23.

Conditions:
Hereditary cancer-predisposing syndrome. Also called: Neoplastic Syndromes, Hereditary; Tumor predisposition; Hereditary Cancer Syndrome; Hereditary neoplastic syndrome. Identifiers: Orphanet 140162, MedGen C0027672, MeSH D009386, MONDO:0015356.
Familial cancer of breast. Also called: BREAST CANCER, FAMILIAL; Hereditary breast cancer; hereditary breast carcinoma. Identifiers: Orphanet 227535, MedGen C0346153, MONDO:0016419, OMIM 114480. Disease mechanism: loss of function.

Submissions (2):

University of Washington Department of Laboratory Medicine, University of Washington
Classification: Likely benign for Hereditary cancer-predisposing syndrome. Last evaluated: 2023-03-23. Review status: criteria provided, single submitter. Criteria: Dines et al. (Genet Med. 2020). Collection method: curation. Allele origin: germline.
Comment: Missense variant in a coldspot region where missense variants are very unlikely to be pathogenic (PMID:31911673).

BRCA1 coldspot (exon 11 using historical exon numbering). Reclassification based on statistical prior probability

ClinVar Staff, National Center for Biotechnology Information (NCBI)
No classification provided. Condition: Familial cancer of breast. Review status: no classification provided. Collection method: literature only. Allele origin: germline. Affected: yes. Not counted in ClinVar's aggregate classification.

Literature cited by the submitters: PubMed 11044644 (cited by ClinVar Staff, National Center for Biotechnology Information (NCBI)).